The following is an entry in ClinVar:

NM_001365536.1(SCN9A):c.4043A>G (p.Tyr1348Cys)

Genes: SCN1A-AS1 (SCN1A and SCN9A antisense RNA 1; plus strand), SCN9A (sodium voltage-gated channel alpha subunit 9; minus strand). Cytogenetic location: 2q24.3.
Variant type: single nucleotide variant.
Coding change: c.4043A>G on transcript NM_001365536.1 (MANE Select); coding-DNA position 4043, A replaced by G.
Protein change: p.Tyr1348Cys; replaces tyrosine 1348 with cysteine.
Molecular consequence: missense variant.
Genome position (GRCh38, 1-based): chr2:166,228,854, T>C on the plus strand (A>G on the coding strand, the complement: SCN9A is on the minus strand). VCF-style: chr2-166228854-T-C. GRCh37 (hg19) VCF-style: chr2-167085364-T-C.
Other names: c.4010A>G, p.Tyr1337Cys (NM_002977.4); short protein forms Y1337C, Y1348C.
Identifiers: ClinVar variation 130268 (VCV000130268.17), dbSNP rs587780456, ClinGen allele CA231503.

ClinVar aggregate classification (germline): Uncertain significance. Review status: criteria provided, multiple submitters, no conflicts (2 of 4 stars). 4 submissions from 4 submitters: Uncertain significance (4). Last evaluated 2026-08-10.

Conditions:
SCN9A-related disorder. Also called: SCN9A-related disorders; SCN9A-related condition.
Generalized epilepsy with febrile seizures plus, type 7 (GEFSP7). Also called: GEFS+, TYPE 7. Identifiers: Orphanet 36387, MedGen C2751778, MONDO:0013470, OMIM 613863.
Neuropathy, hereditary sensory and autonomic, type 2A (HSAN2A). Also called: MORVAN DISEASE; NEUROPATHY, CONGENITAL SENSORY; NEUROPATHY, HEREDITARY SENSORY RADICULAR, AUTOSOMAL RECESSIVE; NEUROPATHY, HEREDITARY SENSORY, TYPE IIA; NEUROPATHY, PROGRESSIVE SENSORY, OF CHILDREN; WNK1-Related HSAN2 (HSAN2A). Identifiers: Orphanet 970, MedGen C2752089, MONDO:0024309, OMIM 201300.
Inborn genetic diseases. Identifiers: MedGen C0950123, MeSH D030342.

Allele frequency attached by ClinVar (database versions not stated): TOPMed below 0.00001; ExAC 0.00001; gnomAD 0.00001; gnomAD exomes 0.00001.
gnomAD v4.1: 10 of 1,613,800 alleles (0.00062%); highest among the groups gnomAD compares: Admixed American, 0.012%; no homozygotes.

Submissions (4):

PreventionGenetics, part of Exact Sciences
Classification: Uncertain significance for SCN9A-related condition. Last evaluated: 2026-08-10. Review status: criteria provided, single submitter. Criteria: ACMG Guidelines, 2015. Collection method: clinical testing. Allele origin: germline.
Comment: The SCN9A c.4010A>G variant is predicted to result in the amino acid substitution p.Tyr1337Cys. To our knowledge, this variant has not been reported in the literature. This variant is reported in 0.0085% of alleles in individuals of Latino descent in gnomAD. At this time, the clinical significance of this variant is uncertain due to the absence of conclusive functional and genetic evidence.

Labcorp Genetics (formerly Invitae), Labcorp
Classification: Uncertain significance for Neuropathy, hereditary sensory and autonomic, type 2A; Generalized epilepsy with febrile seizures plus, type 7. Last evaluated: 2025-04-10. Review status: criteria provided, single submitter. Criteria: Invitae Variant Classification Sherloc (09022015). Collection method: clinical testing. Allele origin: germline.
Comment: This sequence change replaces tyrosine, which is neutral and polar, with cysteine, which is neutral and slightly polar, at codon 1337 of the SCN9A protein (p.Tyr1337Cys). This variant is present in population databases (rs587780456, gnomAD 0.009%). This variant has not been reported in the literature in individuals affected with SCN9A-related conditions. ClinVar contains an entry for this variant (Variation ID: 130268). Invitae Evidence Modeling of protein sequence and biophysical properties (such as structural, functional, and spatial information, amino acid conservation, physicochemical variation, residue mobility, and thermodynamic stability) indicates that this missense variant is not expected to disrupt SCN9A protein function with a negative predictive value of 80%. In summary, the available evidence is currently insufficient to determine the role of this variant in disease. Therefore, it has been classified as a Variant of Uncertain Significance.

Ambry Genetics
Classification: Uncertain significance for Inborn genetic diseases. Last evaluated: 2025-01-20. Review status: criteria provided, single submitter. Criteria: Ambry Variant Classification Scheme 2023. Collection method: clinical testing. Allele origin: germline.

Genetic Services Laboratory, University of Chicago
Classification: Uncertain significance. Last evaluated: 2013-08-27. Review status: criteria provided, single submitter. Criteria: ACMG Guidelines, 2007. Collection method: clinical testing. Allele origin: germline. Inheritance: Autosomal dominant inheritance.